The following is an entry in ClinVar:

NM_144670.6(A2ML1):c.688T>C (p.Ser230Pro)

Gene: A2ML1 (alpha-2-macroglobulin like 1; plus strand). Cytogenetic location: 12p13.31.
Variant type: single nucleotide variant.
Coding change: c.688T>C on transcript NM_144670.6 (MANE Select); coding-DNA position 688, T replaced by C.
Protein change: p.Ser230Pro; replaces serine 230 with proline.
Molecular consequence: missense variant.
Genome position (GRCh38, 1-based): chr12:8,836,299, T>C. VCF-style: chr12-8836299-T-C. GRCh37 (hg19) VCF-style: chr12-8988895-T-C.
Other names: short protein forms S230P.
Identifiers: ClinVar variation 4752231 (VCV004752231.1).

ClinVar aggregate classification (germline): Uncertain significance (1 of 4 stars; one submission).

gnomAD v4.1: 4 of 1,614,008 alleles (0.00025%); highest among the groups gnomAD compares: South Asian, 0.0011%; no homozygotes.

Submission:

Labcorp Genetics (formerly Invitae), Labcorp
Classification: Uncertain significance. Last evaluated: 2025-10-06. Review status: criteria provided, single submitter. Criteria: Invitae Variant Classification Sherloc (09022015). Collection method: clinical testing. Allele origin: germline.
Comment: This sequence change replaces serine, which is neutral and polar, with proline, which is neutral and non-polar, at codon 230 of the A2ML1 protein (p.Ser230Pro). This variant is not present in population databases (gnomAD no frequency). This variant has not been reported in the literature in individuals affected with A2ML1-related conditions. An algorithm developed to predict the effect of missense changes on protein structure and function (PolyPhen-2) suggests that this variant is likely to be disruptive. In summary, the available evidence is currently insufficient to determine the role of this variant in disease. Therefore, it has been classified as a Variant of Uncertain Significance.